The following is an entry in ClinVar:

NM_003738.5(PTCH2):c.308A>C (p.Lys103Thr)

Gene: PTCH2 (patched 2; minus strand). Cytogenetic location: 1p34.1.
Variant type: single nucleotide variant.
Coding change: c.308A>C on transcript NM_003738.5 (MANE Select); coding-DNA position 308, A replaced by C.
Protein change: p.Lys103Thr; replaces lysine 103 with threonine.
Molecular consequence: missense variant.
Genome position (GRCh38, 1-based): chr1:44,832,299, T>G on the plus strand (A>C on the coding strand, the complement: PTCH2 is on the minus strand). VCF-style: chr1-44832299-T-G. GRCh37 (hg19) VCF-style: chr1-45297971-T-G.
Other names: c.308A>C, p.Lys103Thr (NM_001166292.2); short protein forms K103T.
Identifiers: ClinVar variation 1719982 (VCV001719982.6), dbSNP rs2522011861, ClinGen allele CA340109650.
Genomic context (GRCh38, chr1:44,832,299, plus strand): 5'-CCCTCCTGGCGTGCGGTCTGTATCAGCATCTGAGAGGTGTATGCAGCCTCCTCCCCCAGC[T>G]TCTCCTTGGTGTAATGCAGCTCCTGGCTCACCCGGCTGCCCACTGCCAGAGCAAACAGAG-3'
Protein context (NP_003729.3, residues 93-113): VSQELHYTKE[Lys103Thr]LGEEAAYTSQ

ClinVar aggregate classification (germline): Uncertain significance (1 of 4 stars; one submission).

Conditions:
Gorlin syndrome. Also called: Nevoid Basal Cell Carcinoma Syndrome; Basal cell nevus syndrome. Identifiers: Orphanet 377, MedGen C0004779, MONDO:0007187.

Submission:

Labcorp Genetics (formerly Invitae), Labcorp
Classification: Uncertain significance for Gorlin syndrome. Last evaluated: 2022-09-21. Review status: criteria provided, single submitter. Criteria: Invitae Variant Classification Sherloc (09022015). Collection method: clinical testing. Allele origin: germline.
Comment: In summary, the available evidence is currently insufficient to determine the role of this variant in disease. Therefore, it has been classified as a Variant of Uncertain Significance. Advanced modeling of protein sequence and biophysical properties (such as structural, functional, and spatial information, amino acid conservation, physicochemical variation, residue mobility, and thermodynamic stability) performed at Invitae indicates that this missense variant is not expected to disrupt PTCH2 protein function. This variant has not been reported in the literature in individuals affected with PTCH2-related conditions. This variant is not present in population databases (gnomAD no frequency). This sequence change replaces lysine, which is basic and polar, with threonine, which is neutral and polar, at codon 103 of the PTCH2 protein (p.Lys103Thr).